The following is an entry in ClinVar:

ClinVar aggregate classification (germline): Uncertain significance (1 of 4 stars; one submission).

Submission:

GeneDx
Classification: Uncertain significance. Last evaluated: 2025-02-07. Review status: criteria provided, single submitter. Criteria: GeneDx Variant Classification Process June 2021. Collection method: clinical testing. Allele origin: germline. Affected: yes.
Comment: Not observed at significant frequency in large population cohorts (gnomAD); In silico analysis indicates that this missense variant does not alter protein structure/function; Has not been previously published as pathogenic or benign to our knowledge

NM_019597.5(HNRNPH2):c.664A>G (p.Ile222Val)

Genes: HNRNPH2 (heterogeneous nuclear ribonucleoprotein H2; plus strand), RPL36A-HNRNPH2 (RPL36A-HNRNPH2 readthrough; plus strand). Cytogenetic location: Xq22.1.
Variant type: single nucleotide variant.
Coding change: c.664A>G on transcript NM_019597.5 (MANE Select); coding-DNA position 664, A replaced by G.
Protein change: p.Ile222Val; replaces isoleucine 222 with valine.
Molecular consequence: missense variant. On other transcripts: 3 prime UTR variant (2).
Genome position (GRCh38, 1-based): chrX:101,412,652, A>G. VCF-style: chrX-101412652-A-G. GRCh37 (hg19) VCF-style: chrX-100667640-A-G.
Other names: c.*660A>G (NM_001199973.2, NM_001199974.2); c.664A>G, p.Ile222Val (NM_001032393.3); short protein forms I222V.
Identifiers: ClinVar variation 4074712 (VCV004074712.1).